The following is an entry in ClinVar:

ClinVar aggregate classification (germline): Uncertain significance (0 of 4 stars; one submission).

Conditions:
Prostate cancer. Also called: Malignant tumor of prostate. Identifiers: Orphanet 1331, MedGen C0376358, MONDO:0008315, HP:0012125.

Allele frequency attached by ClinVar (database versions not stated): gnomAD exomes 0.00001.
gnomAD v4.1: 3 of 1,612,780 alleles (0.00019%); highest among the groups gnomAD compares: Admixed American, 0.0033%; no homozygotes.

Submission:

Science for Life laboratory,  Karolinska Institutet
Classification: Uncertain significance for Malignant tumor of prostate. Review status: no assertion criteria provided. Collection method: not provided. Allele origin: somatic.
Comment: TumorID:SWE-3
ClinVar note: Converted during submission from Unknown to Uncertain significance.

NM_000346.4(SOX9):c.61G>A (p.Ala21Thr)

Genes: SOX9 (SRY-box transcription factor 9; plus strand), LOC108021846 (SOX9 promoter region; plus strand). Cytogenetic location: 17q24.3.
Variant type: single nucleotide variant.
Coding change: c.61G>A on transcript NM_000346.4 (MANE Select); coding-DNA position 61, G replaced by A.
Protein change: p.Ala21Thr; replaces alanine 21 with threonine.
Molecular consequence: missense variant.
Genome position (GRCh38, 1-based): chr17:72,121,452, G>A. VCF-style: chr17-72121452-G-A. GRCh37 (hg19) VCF-style: chr17-70117593-G-A.
Other names: short protein forms A21T.
Identifiers: ClinVar variation 161465 (VCV000161465.2), dbSNP rs193920972, ClinGen allele CA174087.